The following is an entry in ClinVar:

NM_000088.4(COL1A1):c.3814+1G>C

Gene: COL1A1 (collagen type I alpha 1 chain; minus strand). Cytogenetic location: 17q21.33.
Variant type: single nucleotide variant.
Coding change: c.3814+1G>C on transcript NM_000088.4 (MANE Select); the canonical splice donor site of the intron after coding-DNA position 3814, G replaced by C.
Molecular consequence: splice donor variant.
Genome position (GRCh38, 1-based): chr17:50,186,639, C>G on the plus strand (G>C on the coding strand, the complement: COL1A1 is on the minus strand). VCF-style: chr17-50186639-C-G. GRCh37 (hg19) VCF-style: chr17-48264000-C-G.
Identifiers: ClinVar variation 1459349 (VCV001459349.6), dbSNP rs2144535840, ClinGen allele CA400195841.

ClinVar aggregate classification (germline): Pathogenic (1 of 4 stars; one submission).

Conditions:
Osteogenesis imperfecta type I (OI1). Also called: Lobstein disease; Classic Non-deforming Osteogenesis Imperfecta with Blue Sclerae; OI, TYPE I; OSTEOGENESIS IMPERFECTA TARDA; OSTEOGENESIS IMPERFECTA WITH BLUE SCLERAE; Osteogenesis imperfecta type 1. Identifiers: Orphanet 216796, Orphanet 666, MedGen C0023931, MONDO:0008146, OMIM 166200. Disease mechanism: loss of function.

Submission:

Labcorp Genetics (formerly Invitae), Labcorp
Classification: Pathogenic for Osteogenesis imperfecta type I. Last evaluated: 2021-08-15. Review status: criteria provided, single submitter. Criteria: Invitae Variant Classification Sherloc (09022015). Collection method: clinical testing. Allele origin: germline.
Comment: For these reasons, this variant has been classified as Pathogenic. Algorithms developed to predict the effect of sequence changes on RNA splicing suggest that this variant may disrupt the consensus splice site. Disruption of this splice site has been observed in individuals with autosomal dominant osteogenesis imperfecta (PMID: 25963598). This sequence change affects a donor splice site in intron 48 of the COL1A1 gene. It is expected to disrupt RNA splicing. Variants that disrupt the donor or acceptor splice site typically lead to a loss of protein function (PMID: 16199547), and loss-of-function variants in COL1A1 are known to be pathogenic (PMID: 7942841, 9295084, 9443882). This variant is not present in population databases (ExAC no frequency).

Literature cited by the submitters: PubMed 25963598; PubMed 16199547; PubMed 7942841; PubMed 9295084; PubMed 9443882.